The following is an entry in ClinVar:

NM_198271.5(LMOD3):c.1061A>G (p.His354Arg)

Gene: LMOD3 (leiomodin 3; minus strand). Cytogenetic location: 3p14.1.
Variant type: single nucleotide variant.
Coding change: c.1061A>G on transcript NM_198271.5 (MANE Select); coding-DNA position 1061, A replaced by G.
Protein change: p.His354Arg; replaces histidine 354 with arginine.
Molecular consequence: missense variant.
Genome position (GRCh38, 1-based): chr3:69,119,294, T>C on the plus strand (A>G on the coding strand, the complement: LMOD3 is on the minus strand). VCF-style: chr3-69119294-T-C. GRCh37 (hg19) VCF-style: chr3-69168445-T-C.
Other names: c.1061A>G, p.His354Arg (NM_001304418.3); short protein forms H354R.
Identifiers: ClinVar variation 1408995 (VCV001408995.6), dbSNP rs1217215656, ClinGen allele CA353473231.

ClinVar aggregate classification (germline): Uncertain significance (1 of 4 stars; one submission).

Conditions:
Nemaline myopathy 10 (NEM10). Identifiers: MedGen C4015360, MONDO:0014513, OMIM 616165.

Allele frequency attached by ClinVar (database versions not stated): TOPMed below 0.00001; gnomAD 0.00001; gnomAD exomes 0.00001.
gnomAD v4.1: 8 of 1,613,880 alleles (0.0005%); highest among the groups gnomAD compares: Non-Finnish European, 0.00068%; no homozygotes.

Submission:

Labcorp Genetics (formerly Invitae), Labcorp
Classification: Uncertain significance for Nemaline myopathy 10. Last evaluated: 2020-11-06. Review status: criteria provided, single submitter. Criteria: Invitae Variant Classification Sherloc (09022015). Collection method: clinical testing. Allele origin: germline.
Comment: In summary, the available evidence is currently insufficient to determine the role of this variant in disease. Therefore, it has been classified as a Variant of Uncertain Significance. Algorithms developed to predict the effect of missense changes on protein structure and function (SIFT, PolyPhen-2, Align-GVGD) all suggest that this variant is likely to be disruptive, but these predictions have not been confirmed by published functional studies and their clinical significance is uncertain. This variant has not been reported in the literature in individuals with LMOD3-related conditions. This variant is not present in population databases (ExAC no frequency). This sequence change replaces histidine with arginine at codon 354 of the LMOD3 protein (p.His354Arg). The histidine residue is highly conserved and there is a small physicochemical difference between histidine and arginine.